The following is an entry in ClinVar:

ClinVar aggregate classification (germline): Pathogenic (1 of 4 stars; one submission).

Conditions:
Neurofibromatosis, type 1 (NF1). Also called: VON RECKLINGHAUSEN DISEASE; Peripheral type neurofibromatosis; NEUROFIBROMATOSIS, TYPE I, SOMATIC; Neurofibromatosis, type I. Identifiers: Orphanet 636, MedGen C0027831, MONDO:0018975, OMIM 162200. Disease mechanism: loss of function.

Submission:

Labcorp Genetics (formerly Invitae), Labcorp
Classification: Pathogenic for Neurofibromatosis, type 1. Last evaluated: 2020-10-11. Review status: criteria provided, single submitter. Criteria: Invitae Variant Classification Sherloc (09022015). Collection method: clinical testing. Allele origin: germline.
Comment: This sequence change creates a premature translational stop signal (p.Tyr1573*) in the NF1 gene. It is expected to result in an absent or disrupted protein product. This variant is not present in population databases (ExAC no frequency). This nonsense change has been observed in individual(s) with neurofibromatosis type 1 (PMID: 30530636, 10712197). Loss-of-function variants in NF1 are known to be pathogenic (PMID: 10712197, 23913538). For these reasons, this variant has been classified as Pathogenic.

Literature cited by the submitters: PubMed 30530636; PubMed 10712197; PubMed 23913538.

NM_001042492.3(NF1):c.4782C>A (p.Tyr1594Ter)

Gene: NF1 (neurofibromin 1; plus strand). Cytogenetic location: 17q11.2.
Variant type: single nucleotide variant.
Coding change: c.4782C>A on transcript NM_001042492.3 (MANE Select); coding-DNA position 4782, C replaced by A.
Protein change: p.Tyr1594Ter; replaces tyrosine 1594 with a stop codon.
Molecular consequence: nonsense.
Genome position (GRCh38, 1-based): chr17:31,265,286, C>A. VCF-style: chr17-31265286-C-A. GRCh37 (hg19) VCF-style: chr17-29592304-C-A.
Other names: c.4719C>A, p.Tyr1573Ter (NM_000267.4); short protein forms Y1573*, Y1594*.
Identifiers: ClinVar variation 1071847 (VCV001071847.1), dbSNP rs2151470201, ClinGen allele CA399001279.
Genomic context (GRCh38, chr17:31,265,286, plus strand): 5'-TAGGCATCAGGTACATGAAAAAGAAGAATTCAAGGCTTTGAAAACGTTAAGTATTTTCTA[C>A]CAAGCTGGGACTTCCAAAGCTGGGAATCCTATTTTTTATTATGTTGCACGGAGGTAAGAA-3'